The following is an entry in ClinVar:

ClinVar aggregate classification (germline): Likely benign (1 of 4 stars; one submission).

Submission:

CeGaT Center for Human Genetics Tuebingen
Classification: Likely benign. Last evaluated: 2022-12-01. Review status: criteria provided, single submitter. Criteria: CeGaT Center For Human Genetics Tuebingen Variant Classification Criteria Version 2. Collection method: clinical testing. Allele origin: germline. Affected: yes. Observed: 1 variant allele.
Comment: SPEN: PM2:Supporting, BP4, BP7

NM_015001.3(SPEN):c.834C>A (p.Ser278=)

Gene: SPEN (spen family transcriptional repressor; plus strand). Cytogenetic location: 1p36.21.
Variant type: single nucleotide variant.
Coding change: c.834C>A on transcript NM_015001.3 (MANE Select); coding-DNA position 834, C replaced by A.
Protein change: p.Ser278=; no amino-acid change (serine 278 retained).
Molecular consequence: synonymous variant.
Genome position (GRCh38, 1-based): chr1:15,876,631, C>A. VCF-style: chr1-15876631-C-A. GRCh37 (hg19) VCF-style: chr1-16203126-C-A.
Identifiers: ClinVar variation 2638302 (VCV002638302.24), dbSNP rs2522936831, ClinGen allele CA416217938.
Genomic context (GRCh38, chr1:15,876,631, plus strand): 5'-GGCTAGCCAAGCATCTAGACCCACAAGGTCCCCTAGCGGCAGCGGCTCTAGAAGTAGATC[C>A]TCCAGTAGTGATTCAATCAGCAGCAGCAGTAGTACCAGCAGTGACAGGTAGGTTAACAGC-3'
Protein context (NP_055816.2, residues 268-288): SPSGSGSRSR[Ser278=]SSSDSISSSS